The following is an entry in ClinVar:

ClinVar aggregate classification (germline): Uncertain significance (1 of 4 stars; one submission).

Conditions:
Hyper-IgE recurrent infection syndrome 1, autosomal dominant. Also called: JOB SYNDROME; HYPER-IgE SYNDROME 1, AUTOSOMAL DOMINANT, WITH RECURRENT INFECTIONS; Job's Syndrome; STAT3 Hyper IgE Syndrome; Hyper-IgE recurrent infection syndrome 1. Identifiers: Orphanet 2314, MedGen C2936739, MONDO:0007818, OMIM 147060.
STAT3 gain of function. Identifiers: MedGen C4288261.

Submission:

Labcorp Genetics (formerly Invitae), Labcorp
Classification: Uncertain significance for STAT3 gain of function; Hyper-IgE recurrent infection syndrome 1, autosomal dominant. Last evaluated: 2022-07-11. Review status: criteria provided, single submitter. Criteria: Invitae Variant Classification Sherloc (09022015). Collection method: clinical testing. Allele origin: germline.
Comment: Advanced modeling of protein sequence and biophysical properties (such as structural, functional, and spatial information, amino acid conservation, physicochemical variation, residue mobility, and thermodynamic stability) performed at Invitae indicates that this missense variant is not expected to disrupt STAT3 protein function. This variant has not been reported in the literature in individuals affected with STAT3-related conditions. This variant is not present in population databases (gnomAD no frequency). This sequence change replaces lysine, which is basic and polar, with asparagine, which is neutral and polar, at codon 140 of the STAT3 protein (p.Lys140Asn). In summary, the available evidence is currently insufficient to determine the role of this variant in disease. Therefore, it has been classified as a Variant of Uncertain Significance.

NM_139276.3(STAT3):c.420G>T (p.Lys140Asn)

Gene: STAT3 (signal transducer and activator of transcription 3; minus strand). Cytogenetic location: 17q21.2.
Variant type: single nucleotide variant.
Coding change: c.420G>T on transcript NM_139276.3 (MANE Select); coding-DNA position 420, G replaced by T.
Protein change: p.Lys140Asn; replaces lysine 140 with asparagine.
Molecular consequence: missense variant. On other transcripts: intron variant (1).
Genome position (GRCh38, 1-based): chr17:42,339,362, C>A on the plus strand (G>T on the coding strand, the complement: STAT3 is on the minus strand). VCF-style: chr17-42339362-C-A. GRCh37 (hg19) VCF-style: chr17-40491380-C-A.
Other names: c.420G>T, p.Lys140Asn (NM_001369512.1, NM_001369513.1, NM_001369514.1 and 15 more transcripts); c.342G>T, p.Lys114Asn (NM_001384985.1); c.373-550G>T (NM_001384989.1); short protein forms K114N, K140N.
Identifiers: ClinVar variation 2016114 (VCV002016114.4), dbSNP rs755877110, ClinGen allele CA399595108.
Genomic context (GRCh38, chr17:42,339,362, plus strand): 5'-AACTTGCATCACCTGCACTCTCTTCCGGACATCCTGAAGGTGCTGCTCCAGCATCTGCTG[C>A]TTCTCCGTCACCACGGCTGCTGTGGGGTGGTTGGCCTGGCCCCCTTGCTGCCAAAAAGGA-3'
Protein context (NP_644805.1, residues 130-150): NHPTAAVVTE[Lys140Asn]QQMLEQHLQD